The following is an entry in ClinVar:

NM_019066.5(MAGEL2):c.2495C>G (p.Pro832Arg)

Gene: MAGEL2 (MAGE family member L2; minus strand). Cytogenetic location: 15q11.2.
Variant type: single nucleotide variant.
Coding change: c.2495C>G on transcript NM_019066.5 (MANE Select); coding-DNA position 2495, C replaced by G.
Protein change: p.Pro832Arg; replaces proline 832 with arginine.
Molecular consequence: missense variant.
Genome position (GRCh38, 1-based): chr15:23,645,248, G>C on the plus strand (C>G on the coding strand, the complement: MAGEL2 is on the minus strand). VCF-style: chr15-23645248-G-C. GRCh37 (hg19) VCF-style: chr15-23890395-G-C.
Other names: short protein forms P832R.
Identifiers: ClinVar variation 4987589 (VCV004987589.1).

ClinVar aggregate classification (germline): Uncertain significance (1 of 4 stars; one submission).

Conditions:
MAGEL2-related disorder. Also called: MAGEL2-related condition.

gnomAD v4.1: 5 of 1,613,820 alleles (0.00031%); highest among the groups gnomAD compares: Non-Finnish European, 0.00034%; no homozygotes.

Submission:

PreventionGenetics, part of Exact Sciences
Classification: Uncertain significance for MAGEL2-related condition. Last evaluated: 2025-03-03. Review status: criteria provided, single submitter. Criteria: ACMG Guidelines, 2015. Collection method: clinical testing. Allele origin: germline.
Comment: The MAGEL2 c.2495C>G variant is predicted to result in the amino acid substitution p.Pro832Arg. To our knowledge, this variant has not been reported in the literature. This variant is reported in 0.0018% of alleles in individuals of European (Non-Finnish) descent in gnomAD. At this time, the clinical significance of this variant is uncertain due to the absence of conclusive functional and genetic evidence.